The following is an entry in ClinVar:

NM_173728.4(ARHGEF15):c.960G>A (p.Gln320=)

Gene: ARHGEF15 (Rho guanine nucleotide exchange factor 15; plus strand). Cytogenetic location: 17p13.1.
Variant type: single nucleotide variant.
Coding change: c.960G>A on transcript NM_173728.4 (MANE Select); coding-DNA position 960, G replaced by A.
Protein change: p.Gln320=; no amino-acid change (glutamine 320 retained).
Molecular consequence: synonymous variant.
Genome position (GRCh38, 1-based): chr17:8,313,526, G>A. VCF-style: chr17-8313526-G-A. GRCh37 (hg19) VCF-style: chr17-8216844-G-A.
Other names: c.960G>A, p.Gln320= (NM_025014.2).
Identifiers: ClinVar variation 242023 (VCV000242023.37), dbSNP rs112237413, ClinGen allele CA8375050.

ClinVar aggregate classification (germline): Benign/Likely benign. Review status: criteria provided, multiple submitters, no conflicts (2 of 4 stars). 3 submissions from 3 submitters: Benign (1); Likely benign (1). 1 of the submissions does not count toward it. Last evaluated 2025-12-22.

Conditions:
ARHGEF15-related disorder. Also called: ARHGEF15-related condition.
Early-infantile DEE. Also called: Ohtahara syndrome; Early infantile epileptic encephalopathy; Early infantile epileptic encephalopathy with suppression bursts. Identifiers: Orphanet 1934, MedGen C0393706, MONDO:0800491.

Allele frequency attached by ClinVar (database versions not stated): gnomAD exomes 0.00017 and 0.00043; ExAC 0.00044; 1000 Genomes Project 30x 0.00187; gnomAD 0.00189 and 0.00203; 1000 Genomes Project 0.00200; ESP Exome Variant Server 0.00215; TOPMed 0.00215.
gnomAD v4.1: 562 of 1,613,408 alleles (0.035%); highest among the groups gnomAD compares: African/African-American, 0.67%; no homozygotes.

Submissions (3):

Labcorp Genetics (formerly Invitae), Labcorp
Classification: Benign for Early-infantile DEE. Last evaluated: 2025-12-22. Review status: criteria provided, single submitter. Criteria: Invitae Variant Classification Sherloc (09022015). Collection method: clinical testing. Allele origin: germline.

CeGaT Center for Human Genetics Tuebingen
Classification: Likely benign. Last evaluated: 2023-03-01. Review status: criteria provided, single submitter. Criteria: CeGaT Center For Human Genetics Tuebingen Variant Classification Criteria Version 2. Collection method: clinical testing. Allele origin: germline. Affected: yes. Observed: 1 variant allele.
Comment: ARHGEF15: BP4, BP7

PreventionGenetics, part of Exact Sciences
Classification: Likely benign for ARHGEF15-related condition. Last evaluated: 2019-10-28. Review status: no assertion criteria provided. Collection method: clinical testing. Allele origin: germline. Not counted in ClinVar's aggregate classification.
Comment: This variant is classified as likely benign based on ACMG/AMP sequence variant interpretation guidelines (Richards et al. 2015 PMID: 25741868, with internal and published modifications).